The following is an entry in ClinVar:

ClinVar aggregate classification (germline): Uncertain significance (1 of 4 stars; one submission).

Submission:

GeneDx
Classification: Uncertain significance. Last evaluated: 2018-11-15. Review status: criteria provided, single submitter. Criteria: GeneDx Variant Classification Process June 2021. Collection method: clinical testing. Allele origin: germline. Affected: yes.
Comment: Not observed in large population cohorts (Lek et al., 2016); In silico analysis, which includes protein predictors and evolutionary conservation, supports a deleterious effect; Has not been previously published as pathogenic or benign to our knowledge

NM_001145358.2(SIN3A):c.2320G>C (p.Gly774Arg)

Gene: SIN3A (SIN3 transcription regulator family member A; minus strand). Cytogenetic location: 15q24.2.
Variant type: single nucleotide variant.
Coding change: c.2320G>C on transcript NM_001145358.2 (MANE Select); coding-DNA position 2320, G replaced by C.
Protein change: p.Gly774Arg; replaces glycine 774 with arginine.
Molecular consequence: missense variant.
Genome position (GRCh38, 1-based): chr15:75,392,773, C>G on the plus strand (G>C on the coding strand, the complement: SIN3A is on the minus strand). VCF-style: chr15-75392773-C-G. GRCh37 (hg19) VCF-style: chr15-75685114-C-G.
Other names: c.2320G>C, p.Gly774Arg (NM_001145357.2, NM_015477.3); short protein forms G774R.
Identifiers: ClinVar variation 1304312 (VCV001304312.2), dbSNP rs2141426544, ClinGen allele CA393492348.